The following is an entry in ClinVar:

ClinVar aggregate classification (germline): Uncertain significance. Review status: criteria provided, multiple submitters, no conflicts (2 of 4 stars). 2 submissions from 2 submitters: Uncertain significance (2). Last evaluated 2025-08-12.

Conditions:
Inborn genetic diseases. Identifiers: MedGen C0950123, MeSH D030342.

Allele frequency attached by ClinVar (database versions not stated): TOPMed below 0.00001.
gnomAD v4.1: 2 of 1,613,718 alleles (0.00012%); highest among the groups gnomAD compares: Admixed American, 0.0017%; no homozygotes.

Submissions (2):

Labcorp Genetics (formerly Invitae), Labcorp
Classification: Uncertain significance. Last evaluated: 2025-08-12. Review status: criteria provided, single submitter. Criteria: Invitae Variant Classification Sherloc (09022015). Collection method: clinical testing. Allele origin: germline.
Comment: This sequence change replaces serine, which is neutral and polar, with cysteine, which is neutral and slightly polar, at codon 213 of the RP1L1 protein (p.Ser213Cys). This variant is not present in population databases (gnomAD no frequency). This variant has not been reported in the literature in individuals affected with RP1L1-related conditions. ClinVar contains an entry for this variant (Variation ID: 2818644). Invitae Evidence Modeling of protein sequence and biophysical properties (such as structural, functional, and spatial information, amino acid conservation, physicochemical variation, residue mobility, and thermodynamic stability) indicates that this missense variant is not expected to disrupt RP1L1 protein function with a negative predictive value of 80%. In summary, the available evidence is currently insufficient to determine the role of this variant in disease. Therefore, it has been classified as a Variant of Uncertain Significance.

Ambry Genetics
Classification: Uncertain significance for Inborn genetic diseases. Last evaluated: 2024-10-16. Review status: criteria provided, single submitter. Criteria: Ambry Variant Classification Scheme 2023. Collection method: clinical testing. Allele origin: germline.

NM_178857.6(RP1L1):c.637A>T (p.Ser213Cys)

Gene: RP1L1 (RP1 like 1). Cytogenetic location: 8p23.1.
Variant type: single nucleotide variant.
Coding change: c.637A>T on transcript NM_178857.6 (MANE Select); coding-DNA position 637, A replaced by T.
Protein change: p.Ser213Cys; replaces serine 213 with cysteine.
Molecular consequence: missense variant.
Genome position (GRCh38, 1-based): chr8:10,616,560, T>A on the plus strand (A>T on the coding strand, the complement: RP1L1 is on the minus strand). VCF-style: chr8-10616560-T-A. GRCh37 (hg19) VCF-style: chr8-10474070-T-A.
Other names: c.637A>T (NM_178857.5); short protein forms S213C.
Identifiers: ClinVar variation 2818644 (VCV002818644.4), dbSNP rs1797969253, ClinGen allele CA370299251.